The following is an entry in ClinVar:

NM_001035.3(RYR2):c.5106C>A (p.Tyr1702Ter)

Gene: RYR2 (ryanodine receptor 2; plus strand). Cytogenetic location: 1q43.
Variant type: single nucleotide variant.
Coding change: c.5106C>A on transcript NM_001035.3 (MANE Select); coding-DNA position 5106, C replaced by A.
Protein change: p.Tyr1702Ter; replaces tyrosine 1702 with a stop codon.
Molecular consequence: nonsense.
Genome position (GRCh38, 1-based): chr1:237,614,234, C>A. VCF-style: chr1-237614234-C-A. GRCh37 (hg19) VCF-style: chr1-237777534-C-A.
Other names: short protein forms Y1702*.
Identifiers: ClinVar variation 1315873 (VCV001315873.2), dbSNP rs2148594370, ClinGen allele CA345404029.
Genomic context (GRCh38, chr1:237,614,234, plus strand): 5'-ACCTCAGCTCCTCTATGCCATTGAGAACAAGTACATGCCTGGTTTGCTGCGTGCTGGCTA[C>A]TATGACCTGCTGATTGACATCCACCTGAGCTCCTATGCCACTGCCAGGCTCATGATGAAC-3'

ClinVar aggregate classification (germline): Uncertain significance (1 of 4 stars; one submission).

Submission:

GeneDx
Classification: Uncertain significance. Last evaluated: 2019-10-28. Review status: criteria provided, single submitter. Criteria: GeneDx Variant Classification Process June 2021. Collection method: clinical testing. Allele origin: germline. Affected: yes.
Comment: Not observed in large population cohorts (Lek et al., 2016); Nonsense variant predicted to result in protein truncation or nonsense mediated decay in a gene for which loss-of-function is not a known mechanism of disease; Has not been previously published as pathogenic or benign to our knowledge